The following is an entry in ClinVar:

NM_001385641.1(SAMD11):c.962C>T (p.Pro321Leu)

Gene: SAMD11 (sterile alpha motif domain containing 11; plus strand). Cytogenetic location: 1p36.33.
Variant type: single nucleotide variant.
Coding change: c.962C>T on transcript NM_001385641.1 (MANE Select); coding-DNA position 962, C replaced by T.
Protein change: p.Pro321Leu; replaces proline 321 with leucine.
Molecular consequence: missense variant.
Genome position (GRCh38, 1-based): chr1:935,891, C>T. VCF-style: chr1-935891-C-T. GRCh37 (hg19) VCF-style: chr1-871271-C-T.
Other names: c.962C>T, p.Pro321Leu (NM_001385640.1); c.425C>T, p.Pro142Leu (NM_152486.4); short protein forms P321L, P142L.
Identifiers: ClinVar variation 1476759 (VCV001476759.6), dbSNP rs2100330462, ClinGen allele CA337797869.

ClinVar aggregate classification (germline): Uncertain significance (1 of 4 stars; one submission).

Submission:

Labcorp Genetics (formerly Invitae), Labcorp
Classification: Uncertain significance. Last evaluated: 2021-09-21. Review status: criteria provided, single submitter. Criteria: Invitae Variant Classification Sherloc (09022015). Collection method: clinical testing. Allele origin: germline.
Comment: In summary, the available evidence is currently insufficient to determine the role of this variant in disease. Therefore, it has been classified as a Variant of Uncertain Significance. Algorithms developed to predict the effect of missense changes on protein structure and function (SIFT, PolyPhen-2, Align-GVGD) all suggest that this variant is likely to be tolerated. This variant has not been reported in the literature in individuals affected with SAMD11-related conditions. This variant is not present in population databases (ExAC no frequency). This sequence change replaces proline with leucine at codon 142 of the SAMD11 protein (p.Pro142Leu). The proline residue is weakly conserved and there is a moderate physicochemical difference between proline and leucine.